The following is an entry in ClinVar:

NM_022788.5(P2RY12):c.1015G>C (p.Glu339Gln)

Genes: MED12L (mediator complex subunit 12L; plus strand), P2RY12 (purinergic receptor P2Y12; minus strand). Cytogenetic location: 3q25.1.
Variant type: single nucleotide variant.
Coding change: c.1015G>C on transcript NM_022788.5 (MANE Select); coding-DNA position 1015, G replaced by C.
Protein change: p.Glu339Gln; replaces glutamic acid 339 with glutamine.
Molecular consequence: missense variant. On other transcripts: intron variant (2).
Genome position (GRCh38, 1-based): chr3:151,337,831, C>G on the plus strand (G>C on the coding strand, the complement: P2RY12 is on the minus strand). VCF-style: chr3-151337831-C-G. GRCh37 (hg19) VCF-style: chr3-151055619-C-G.
Other names: c.1015G>C, p.Glu339Gln (NM_176876.3); c.2251-12228C>G (NM_001393769.1); c.2146-12228C>G (NM_053002.6); short protein forms E339Q.
Identifiers: ClinVar variation 3653130 (VCV003653130.2).

ClinVar aggregate classification (germline): Uncertain significance (1 of 4 stars; one submission).

Submission:

Labcorp Genetics (formerly Invitae), Labcorp
Classification: Uncertain significance. Last evaluated: 2024-05-13. Review status: criteria provided, single submitter. Criteria: Invitae Variant Classification Sherloc (09022015). Collection method: clinical testing. Allele origin: germline.
Comment: This sequence change replaces glutamic acid, which is acidic and polar, with glutamine, which is neutral and polar, at codon 339 of the P2RY12 protein (p.Glu339Gln). This variant is not present in population databases (gnomAD no frequency). This variant has not been reported in the literature in individuals affected with P2RY12-related conditions. An algorithm developed to predict the effect of missense changes on protein structure and function (PolyPhen-2) suggests that this variant is likely to be tolerated. In summary, the available evidence is currently insufficient to determine the role of this variant in disease. Therefore, it has been classified as a Variant of Uncertain Significance.